The following is an entry in ClinVar:

NM_000057.4(BLM):c.3157G>A (p.Asp1053Asn)

Gene: BLM (BLM RecQ like helicase; plus strand). Cytogenetic location: 15q26.1.
Variant type: single nucleotide variant.
Coding change: c.3157G>A on transcript NM_000057.4 (MANE Select); coding-DNA position 3157, G replaced by A.
Protein change: p.Asp1053Asn; replaces aspartic acid 1053 with asparagine.
Molecular consequence: missense variant.
Genome position (GRCh38, 1-based): chr15:90,794,304, G>A. VCF-style: chr15-90794304-G-A. GRCh37 (hg19) VCF-style: chr15-91337534-G-A.
Other names: c.3157G>A, p.Asp1053Asn (NM_001287246.2, NM_001287247.2); c.2032G>A, p.Asp678Asn (NM_001287248.2); short protein forms D678N, D1053N.
Identifiers: ClinVar variation 2074945 (VCV002074945.4), dbSNP rs2151187380, ClinGen allele CA393846962.
Genomic context (GRCh38, chr15:90,794,304, plus strand): 5'-ATAACGGAATGCAGGAGAATACAGCTTTTGGCCTACTTTGGTGAAAATGGATTTAATCCT[G>A]ATTTTTGTAAGAAACACCCAGATGTTTCTTGTGATAATTGCTGTAAAACAAAGGTAAAAA-3'
Protein context (NP_000048.1, residues 1043-1063): AYFGENGFNP[Asp1053Asn]FCKKHPDVSC

ClinVar aggregate classification (germline): Uncertain significance (1 of 4 stars; one submission).

Conditions:
Bloom syndrome (BLM). Also called: Bloom-Torre-Machacek syndrome. Identifiers: Orphanet 125, MedGen C0005859, MONDO:0008876, OMIM 210900.

Submission:

Labcorp Genetics (formerly Invitae), Labcorp
Classification: Uncertain significance for Bloom syndrome. Last evaluated: 2022-02-27. Review status: criteria provided, single submitter. Criteria: Invitae Variant Classification Sherloc (09022015). Collection method: clinical testing. Allele origin: germline.
Comment: This sequence change replaces aspartic acid, which is acidic and polar, with asparagine, which is neutral and polar, at codon 1053 of the BLM protein (p.Asp1053Asn). This variant is not present in population databases (gnomAD no frequency). This variant has not been reported in the literature in individuals affected with BLM-related conditions. Algorithms developed to predict the effect of missense changes on protein structure and function output the following: SIFT: "Tolerated"; PolyPhen-2: "Benign"; Align-GVGD: "Class C0". The asparagine amino acid residue is found in multiple mammalian species, which suggests that this missense change does not adversely affect protein function. In summary, the available evidence is currently insufficient to determine the role of this variant in disease. Therefore, it has been classified as a Variant of Uncertain Significance.